The following is an entry in ClinVar:

NM_001103.4(ACTN2):c.1888G>A (p.Ala630Thr)

Gene: ACTN2 (actinin alpha 2; plus strand). Cytogenetic location: 1q43.
Variant type: single nucleotide variant.
Coding change: c.1888G>A on transcript NM_001103.4 (MANE Select); coding-DNA position 1888, G replaced by A.
Protein change: p.Ala630Thr; replaces alanine 630 with threonine.
Molecular consequence: missense variant.
Genome position (GRCh38, 1-based): chr1:236,753,995, G>A. VCF-style: chr1-236753995-G-A. GRCh37 (hg19) VCF-style: chr1-236917295-G-A.
Other names: c.1888G>A, p.Ala630Thr (NM_001278343.2); c.1264G>A, p.Ala422Thr (NM_001278344.2); c.1888G>A (NM_001103.2); short protein forms A422T, A630T.
Identifiers: ClinVar variation 999646 (VCV000999646.11), dbSNP rs1338074315, ClinGen allele CA345386789.
Genomic context (GRCh38, chr1:236,753,995, plus strand): 5'-GGGCCCTGACAGGTGAAGCAACTCGTGCCCATCCGCGATCAATCCCTGCAGGAGGAGCTG[G>A]CTCGCCAGCATGCTAACGAGCGTCTGAGGCGCCAGTTTGCTGCCCAAGCCAATGCCATTG-3'
Protein context (NP_001094.1, residues 620-640): IRDQSLQEEL[Ala630Thr]RQHANERLRR

ClinVar aggregate classification (germline): Conflicting classifications of pathogenicity. Review status: criteria provided, conflicting classifications (1 of 4 stars). 2 submissions from 2 submitters: Uncertain significance (1); Likely benign (1). Last evaluated 2024-10-01.

Conditions:
Dilated cardiomyopathy 1AA (CMD1AA). Also called: Cardiomyopathy, dilated, 1AA, with or without LVNC; CARDIOMYOPATHY, DILATED, 1AA, WITH OR WITHOUT LEFT VENTRICULAR NONCOMPACTION; CARDIOMYOPATHY, FAMILIAL HYPERTROPHIC, 23, WITH OR WITHOUT LEFT VENTRICULAR NONCOMPACTION. Identifiers: Orphanet 154, MedGen C2677338, MONDO:0012808, OMIM 612158.
Primary familial hypertrophic cardiomyopathy (HCM). Identifiers: Orphanet 99739, MedGen C0949658, MeSH D024741, MONDO:0024573. Inheritance: Various modes of inheritance.
Cardiovascular phenotype. Identifiers: MedGen CN230736.

Allele frequency attached by ClinVar (database versions not stated): TOPMed 0.00001.

Submissions (2):

Labcorp Genetics (formerly Invitae), Labcorp
Classification: Likely benign for Primary familial hypertrophic cardiomyopathy; Dilated cardiomyopathy 1AA. Last evaluated: 2024-10-01. Review status: criteria provided, single submitter. Criteria: Invitae Variant Classification Sherloc (09022015). Collection method: clinical testing. Allele origin: germline.

Ambry Genetics
Classification: Uncertain significance for Cardiovascular phenotype. Last evaluated: 2023-05-27. Review status: criteria provided, single submitter. Criteria: Ambry Variant Classification Scheme 2023. Collection method: clinical testing. Allele origin: germline.
Comment: The p.A630T variant (also known as c.1888G>A), located in coding exon 16 of the ACTN2 gene, results from a G to A substitution at nucleotide position 1888. The alanine at codon 630 is replaced by threonine, an amino acid with similar properties. This amino acid position is conserved. In addition, the in silico prediction for this alteration is inconclusive. Since supporting evidence is limited at this time, the clinical significance of this alteration remains unclear.